The following is an entry in ClinVar:

NM_024409.4(NPPC):c.325G>T (p.Gly109Cys)

Genes: NPPC (natriuretic peptide C; minus strand), LOC129935852 (ATAC-STARR-seq lymphoblastoid silent region 12452; plus strand). Cytogenetic location: 2q37.1.
Variant type: single nucleotide variant.
Coding change: c.325G>T on transcript NM_024409.4 (MANE Select); coding-DNA position 325, G replaced by T.
Protein change: p.Gly109Cys; replaces glycine 109 with cysteine.
Molecular consequence: missense variant.
Genome position (GRCh38, 1-based): chr2:231,925,481, C>A on the plus strand (G>T on the coding strand, the complement: NPPC is on the minus strand). VCF-style: chr2-231925481-C-A. GRCh37 (hg19) VCF-style: chr2-232790191-C-A.
Other names: short protein forms G109C.
Identifiers: ClinVar variation 2831901 (VCV002831901.3), dbSNP rs753403320, ClinGen allele CA351149919.

ClinVar aggregate classification (germline): Uncertain significance (1 of 4 stars; one submission).

Submission:

Labcorp Genetics (formerly Invitae), Labcorp
Classification: Uncertain significance. Last evaluated: 2023-01-25. Review status: criteria provided, single submitter. Criteria: Invitae Variant Classification Sherloc (09022015). Collection method: clinical testing. Allele origin: germline.
Comment: This variant is not present in population databases (gnomAD no frequency). This sequence change replaces glycine, which is neutral and non-polar, with cysteine, which is neutral and slightly polar, at codon 109 of the NPPC protein (p.Gly109Cys). This variant has not been reported in the literature in individuals affected with NPPC-related conditions. An algorithm developed to predict the effect of missense changes on protein structure and function (PolyPhen-2) suggests that this variant is likely to be disruptive. In summary, the available evidence is currently insufficient to determine the role of this variant in disease. Therefore, it has been classified as a Variant of Uncertain Significance.